The following is an entry in ClinVar:

ClinVar aggregate classification (germline): Pathogenic/Likely pathogenic. Review status: criteria provided, multiple submitters, no conflicts (2 of 4 stars). 5 submissions from 5 submitters: Pathogenic (3); Likely pathogenic (1). 1 of the submissions does not count toward it. Last evaluated 2024-01-27.

Conditions:
Glycine encephalopathy 1 (GCE1). Identifiers: MedGen CN376801, MONDO:0958179, OMIM 605899.
Glycine encephalopathy. Also called: Nonketotic hyperglycinemia; Non-ketotic hyperglycinemia. Identifiers: Orphanet 407, MedGen C0751748, MONDO:0011612, HP:0008288.

Allele frequency attached by ClinVar (database versions not stated): TOPMed 0.00001.
gnomAD v4.1: 18 of 1,606,684 alleles (0.0011%); highest among the groups gnomAD compares: Non-Finnish European, 0.0014%; no homozygotes.

Submissions (5):

Labcorp Genetics (formerly Invitae), Labcorp
Classification: Pathogenic for Glycine encephalopathy. Last evaluated: 2024-01-27. Review status: criteria provided, single submitter. Criteria: Invitae Variant Classification Sherloc (09022015). Collection method: clinical testing. Allele origin: germline.
Comment: This sequence change affects a donor splice site in intron 2 of the GLDC gene. It is expected to disrupt RNA splicing. Variants that disrupt the donor or acceptor splice site typically lead to a loss of protein function (PMID: 16199547), and loss-of-function variants in GLDC are known to be pathogenic (PMID: 16601880). This variant is not present in population databases (gnomAD no frequency). Disruption of this splice site has been observed in individual(s) with glycine encephalopathy (PMID: 27362913). ClinVar contains an entry for this variant (Variation ID: 557987). Algorithms developed to predict the effect of sequence changes on RNA splicing suggest that this variant may disrupt the consensus splice site. For these reasons, this variant has been classified as Pathogenic.

Laboratorio de Genetica e Diagnostico Molecular, Hospital Israelita Albert Einstein
Classification: Pathogenic for Glycine encephalopathy 1. Last evaluated: 2023-11-25. Review status: criteria provided, single submitter. Criteria: ACMG Guidelines, 2015. Collection method: clinical testing. Allele origin: germline. Affected: yes.
Comment: ACMG classification criteria: PVS1 very strong, PM2 moderate, PM3 supporting

GeneDx
Classification: Pathogenic. Last evaluated: 2022-07-21. Review status: criteria provided, single submitter. Criteria: GeneDx Variant Classification Process June 2021. Collection method: clinical testing. Allele origin: germline. Affected: yes.
Comment: Canonical splice site variant predicted to result in a null allele in a gene for which loss of function is a known mechanism of disease; Not observed at significant frequency in large population cohorts (gnomAD); Identified with a second variant in the GLDC gene in patients with features of GLDC-related glycine encephalopathy referred for genetic testing at GeneDx and in the published literature (Coughlin et al., 2017), however, it is not known whether the variants occurred on the same (in cis) or on different (in trans) chromosomes; This variant is associated with the following publications: (PMID: 27362913)

Fulgent Genetics
Classification: Likely pathogenic for Glycine encephalopathy 1. Last evaluated: 2021-10-18. Review status: criteria provided, single submitter. Criteria: ACMG Guidelines, 2015. Collection method: clinical testing. Allele origin: unknown.

Counsyl
Classification: Pathogenic for Glycine encephalopathy 1. Last evaluated: 2018-04-25. Review status: no assertion criteria provided. Collection method: clinical testing. Allele origin: unknown. Not counted in ClinVar's aggregate classification.

Literature cited by the submitters: PubMed 16199547 (cited by Labcorp Genetics (formerly Invitae), Labcorp); PubMed 16601880 (cited by Labcorp Genetics (formerly Invitae), Labcorp); PubMed 27362913 (cited by Labcorp Genetics (formerly Invitae), Labcorp and Counsyl).

NM_000170.3(GLDC):c.334+1G>T

Gene: GLDC (glycine decarboxylase; minus strand). Cytogenetic location: 9p24.1.
Variant type: single nucleotide variant.
Coding change: c.334+1G>T on transcript NM_000170.3 (MANE Select); the canonical splice donor site of the intron after coding-DNA position 334, G replaced by T.
Molecular consequence: splice donor variant.
Genome position (GRCh38, 1-based): chr9:6,644,613, C>A on the plus strand (G>T on the coding strand, the complement: GLDC is on the minus strand). VCF-style: chr9-6644613-C-A. GRCh37 (hg19) VCF-style: chr9-6644613-C-A.
Identifiers: ClinVar variation 557987 (VCV000557987.13), dbSNP rs978795483, ClinGen allele CA188662521.